The following is an entry in ClinVar:

NM_001018113.3(FANCB):c.815C>T (p.Thr272Ile)

Gene: FANCB (FA complementation group B; minus strand). Cytogenetic location: Xp22.2.
Variant type: single nucleotide variant.
Coding change: c.815C>T on transcript NM_001018113.3 (MANE Select); coding-DNA position 815, C replaced by T.
Protein change: p.Thr272Ile; replaces threonine 272 with isoleucine.
Molecular consequence: missense variant.
Genome position (GRCh38, 1-based): chrX:14,864,696, G>A on the plus strand (C>T on the coding strand, the complement: FANCB is on the minus strand). VCF-style: chrX-14864696-G-A. GRCh37 (hg19) VCF-style: chrX-14882818-G-A.
Other names: c.815C>T, p.Thr272Ile (NM_001324162.2, NM_001410764.1, NM_152633.4); short protein forms T272I.
Identifiers: ClinVar variation 3661292 (VCV003661292.2).

ClinVar aggregate classification (germline): Uncertain significance (1 of 4 stars; one submission).

Conditions:
Fanconi anemia (FA). Also called: Fanconi's anemia. Identifiers: Orphanet 84, MedGen C0015625, MeSH D005199, MONDO:0019391.

Submission:

Labcorp Genetics (formerly Invitae), Labcorp
Classification: Uncertain significance for Fanconi anemia. Last evaluated: 2024-08-03. Review status: criteria provided, single submitter. Criteria: Invitae Variant Classification Sherloc (09022015). Collection method: clinical testing. Allele origin: germline.
Comment: This sequence change replaces threonine, which is neutral and polar, with isoleucine, which is neutral and non-polar, at codon 272 of the FANCB protein (p.Thr272Ile). This variant is not present in population databases (gnomAD no frequency). This variant has not been reported in the literature in individuals affected with FANCB-related conditions. Advanced modeling of protein sequence and biophysical properties (such as structural, functional, and spatial information, amino acid conservation, physicochemical variation, residue mobility, and thermodynamic stability) performed at Invitae indicates that this missense variant is not expected to disrupt FANCB protein function with a negative predictive value of 80%. In summary, the available evidence is currently insufficient to determine the role of this variant in disease. Therefore, it has been classified as a Variant of Uncertain Significance.